The following is an entry in ClinVar:

ClinVar aggregate classification (germline): Uncertain significance (1 of 4 stars; one submission).

Conditions:
Cardiovascular phenotype. Identifiers: MedGen CN230736.

gnomAD v4.1: 2 of 1,613,522 alleles (0.00012%); highest among the groups gnomAD compares: Non-Finnish European, 0.00017%; no homozygotes.

Submission:

Ambry Genetics
Classification: Uncertain significance for Cardiovascular phenotype. Last evaluated: 2017-11-28. Review status: criteria provided, single submitter. Criteria: Ambry Variant Classification Scheme 2023. Collection method: clinical testing. Allele origin: germline.
Comment: The p.F923S variant (also known as c.2768T>C), located in coding exon 8 of the AKAP9 gene, results from a T to C substitution at nucleotide position 2768. The phenylalanine at codon 923 is replaced by serine, an amino acid with highly dissimilar properties. This amino acid position is not well conserved in available vertebrate species, and serine is the reference amino acid in other vertebrate species. In addition, this alteration is predicted to be tolerated by in silico analysis. Since supporting evidence is limited at this time, the clinical significance of this alteration remains unclear.

NM_005751.5(AKAP9):c.2768T>C (p.Phe923Ser)

Gene: AKAP9 (A-kinase anchoring protein 9; plus strand). Cytogenetic location: 7q21.2.
Variant type: single nucleotide variant.
Coding change: c.2768T>C on transcript NM_005751.5 (MANE Select); coding-DNA position 2768, T replaced by C.
Protein change: p.Phe923Ser; replaces phenylalanine 923 with serine.
Molecular consequence: missense variant.
Genome position (GRCh38, 1-based): chr7:92,002,685, T>C. VCF-style: chr7-92002685-T-C. GRCh37 (hg19) VCF-style: chr7-91631999-T-C.
Other names: c.2768T>C, p.Phe923Ser (NM_147185.3); short protein forms F923S.
Identifiers: ClinVar variation 519543 (VCV000519543.5), dbSNP rs1554405166, ClinGen allele CA368124889.